The following is an entry in ClinVar:

ClinVar aggregate classification (germline): Uncertain significance (1 of 4 stars; one submission).

Conditions:
Familial hemophagocytic lymphohistiocytosis 5. Also called: STXBP2-Related Familial Hemophagocytic Lymphohistiocytosis (STXBP2-fHLH). Identifiers: Orphanet 540, MedGen C2751293, MONDO:0013135, OMIM 613101.

gnomAD v4.1: 3 of 1,613,530 alleles (0.00019%); highest among the groups gnomAD compares: Non-Finnish European, 0.00025%; no homozygotes.

Submission:

Labcorp Genetics (formerly Invitae), Labcorp
Classification: Uncertain significance for Familial hemophagocytic lymphohistiocytosis 5. Last evaluated: 2022-09-07. Review status: criteria provided, single submitter. Criteria: Invitae Variant Classification Sherloc (09022015). Collection method: clinical testing. Allele origin: germline.
Comment: ClinVar contains an entry for this variant (Variation ID: 1514350). In summary, the available evidence is currently insufficient to determine the role of this variant in disease. Therefore, it has been classified as a Variant of Uncertain Significance. Algorithms developed to predict the effect of missense changes on protein structure and function output the following: SIFT: "Tolerated"; PolyPhen-2: "Benign"; Align-GVGD: "Class C0". The threonine amino acid residue is found in multiple mammalian species, which suggests that this missense change does not adversely affect protein function. This variant has not been reported in the literature in individuals affected with STXBP2-related conditions. This variant is not present in population databases (gnomAD no frequency). This sequence change replaces alanine, which is neutral and non-polar, with threonine, which is neutral and polar, at codon 524 of the STXBP2 protein (p.Ala524Thr).

NM_006949.4(STXBP2):c.1570G>A (p.Ala524Thr)

Gene: STXBP2 (syntaxin binding protein 2; plus strand). Cytogenetic location: 19p13.2.
Variant type: single nucleotide variant.
Coding change: c.1570G>A on transcript NM_006949.4 (MANE Select); coding-DNA position 1570, G replaced by A.
Protein change: p.Ala524Thr; replaces alanine 524 with threonine.
Molecular consequence: missense variant. On other transcripts: non-coding transcript variant (1).
Genome position (GRCh38, 1-based): chr19:7,647,385, G>A. VCF-style: chr19-7647385-G-A. GRCh37 (hg19) VCF-style: chr19-7712271-G-A.
Other names: c.1561G>A, p.Ala521Thr (NM_001127396.3); c.1603G>A, p.Ala535Thr (NM_001272034.2); short protein forms A521T, A524T, A535T.
Identifiers: ClinVar variation 1514350 (VCV001514350.6), dbSNP rs2146233888, ClinGen allele CA403161985.